The following is an entry in ClinVar:

NM_001242896.3(DEPDC5):c.1159G>A (p.Ala387Thr)

Gene: DEPDC5 (DEP domain containing 5, GATOR1 subcomplex subunit; plus strand). Cytogenetic location: 22q12.3.
Variant type: single nucleotide variant.
Coding change: c.1159G>A on transcript NM_001242896.3 (MANE Select); coding-DNA position 1159, G replaced by A.
Protein change: p.Ala387Thr; replaces alanine 387 with threonine.
Molecular consequence: missense variant. On other transcripts: non-coding transcript variant (5).
Genome position (GRCh38, 1-based): chr22:31,804,857, G>A. VCF-style: chr22-31804857-G-A. GRCh37 (hg19) VCF-style: chr22-32200843-G-A.
Other names: c.1159G>A, p.Ala387Thr (NM_001007188.4, NM_001136029.4, NM_001242897.2 and 7 more transcripts); c.1075G>A, p.Ala359Thr (NM_001369901.1, NM_001369902.1); short protein forms A359T, A387T.
Identifiers: ClinVar variation 2635277 (VCV002635277.4), dbSNP rs370491360, ClinGen allele CA411293537.

ClinVar aggregate classification (germline): Uncertain significance. Review status: criteria provided, multiple submitters, no conflicts (2 of 4 stars). 2 submissions from 2 submitters: Uncertain significance (2). Last evaluated 2022-11-11.

Conditions:
DEPDC5-related disorder. Also called: DEPDC5-related condition; DEPDC5-related related disorder.
Familial focal epilepsy with variable foci (FPEVF). Identifiers: Orphanet 98820, MedGen C1858477, MONDO:0020310.

Submissions (2):

PreventionGenetics, part of Exact Sciences
Classification: Uncertain significance for DEPDC5-related condition. Last evaluated: 2022-11-11. Review status: criteria provided, single submitter. Criteria: ACMG Guidelines, 2015. Collection method: clinical testing. Allele origin: germline.
Comment: The DEPDC5 c.1159G>A variant is predicted to result in the amino acid substitution p.Ala387Thr. To our knowledge, this variant has not been reported in the literature or in a large population database, indicating this variant is rare. At this time, the clinical significance of this variant is uncertain due to the absence of conclusive functional and genetic evidence.

Labcorp Genetics (formerly Invitae), Labcorp
Classification: Uncertain significance for Familial focal epilepsy with variable foci. Last evaluated: 2022-10-27. Review status: criteria provided, single submitter. Criteria: Invitae Variant Classification Sherloc (09022015). Collection method: clinical testing. Allele origin: germline.
Comment: Algorithms developed to predict the effect of missense changes on protein structure and function output the following: SIFT: "Tolerated"; PolyPhen-2: "Not Available"; Align-GVGD: "Class C0". The threonine amino acid residue is found in multiple mammalian species, which suggests that this missense change does not adversely affect protein function. This variant has not been reported in the literature in individuals affected with DEPDC5-related conditions. This variant is not present in population databases (gnomAD no frequency). This sequence change replaces alanine, which is neutral and non-polar, with threonine, which is neutral and polar, at codon 387 of the DEPDC5 protein (p.Ala387Thr). In summary, the available evidence is currently insufficient to determine the role of this variant in disease. Therefore, it has been classified as a Variant of Uncertain Significance.